The following is an entry in ClinVar:

ClinVar aggregate classification (germline): Uncertain significance (1 of 4 stars; one submission).

Conditions:
Hyperphosphatasia with impaired intellectual development syndrome 2. Also called: Hyperphosphatasia with intellectual disability syndrome 2; GLYCOSYLPHOSPHATIDYLINOSITOL BIOSYNTHESIS DEFECT 6. Identifiers: Orphanet 247262, MedGen C3553637, MONDO:0013882, OMIM 614749.

Allele frequency attached by ClinVar (database versions not stated): gnomAD exomes below 0.00001.
gnomAD v4.1: 1 of 1,614,210 alleles (0.000062%); highest among the groups gnomAD compares: Non-Finnish European, 0.000085%; no homozygotes.

Submission:

Labcorp Genetics (formerly Invitae), Labcorp
Classification: Uncertain significance for Hyperphosphatasia with impaired intellectual development syndrome 2. Last evaluated: 2022-08-23. Review status: criteria provided, single submitter. Criteria: Invitae Variant Classification Sherloc (09022015). Collection method: clinical testing. Allele origin: germline.
Comment: This sequence change replaces glycine, which is neutral and non-polar, with glutamic acid, which is acidic and polar, at codon 977 of the PIGO protein (p.Gly977Glu). This variant is not present in population databases (gnomAD no frequency). This variant has not been reported in the literature in individuals affected with PIGO-related conditions. ClinVar contains an entry for this variant (Variation ID: 660251). Algorithms developed to predict the effect of missense changes on protein structure and function are either unavailable or do not agree on the potential impact of this missense change (SIFT: "Deleterious"; PolyPhen-2: "Benign"; Align-GVGD: "Class C0"). In summary, the available evidence is currently insufficient to determine the role of this variant in disease. Therefore, it has been classified as a Variant of Uncertain Significance.

NM_032634.4(PIGO):c.2930G>A (p.Gly977Glu)

Gene: PIGO (phosphatidylinositol glycan anchor biosynthesis class O; minus strand). Cytogenetic location: 9p13.3.
Variant type: single nucleotide variant.
Coding change: c.2930G>A on transcript NM_032634.4 (MANE Select); coding-DNA position 2930, G replaced by A.
Protein change: p.Gly977Glu; replaces glycine 977 with glutamic acid.
Molecular consequence: missense variant.
Genome position (GRCh38, 1-based): chr9:35,090,205, C>T on the plus strand (G>A on the coding strand, the complement: PIGO is on the minus strand). VCF-style: chr9-35090205-C-T. GRCh37 (hg19) VCF-style: chr9-35090202-C-T.
Other names: c.1679G>A, p.Gly560Glu (NM_001201484.2, NM_152850.4); short protein forms G977E, G560E.
Identifiers: ClinVar variation 660251 (VCV000660251.8), dbSNP rs1587158391, ClinGen allele CA373317870.